The following is an entry in ClinVar:

ClinVar aggregate classification (germline): Pathogenic (1 of 4 stars; one submission).

Conditions:
Hereditary spastic paraplegia 11. Also called: SPASTIC PARAPLEGIA, AUTOSOMAL RECESSIVE, COMPLICATED, WITH THIN CORPUS CALLOSUM; SPASTIC PARAPLEGIA, AUTOSOMAL RECESSIVE, WITH MENTAL IMPAIRMENT AND THIN CORPUS CALLOSUM; Spastic Paraplegia 11; Spastic paraplegia, mental retardation and thin corpus callosum; Nakamura Osame syndrome; Autosomal recessive hereditary spastic paraplegia, mental impairment, and thin corpus callosum. Identifiers: Orphanet 2822, MedGen C1858479, MONDO:0011445, OMIM 604360.

Allele frequency attached by ClinVar (database versions not stated): gnomAD exomes below 0.00001.
gnomAD v4.1: 1 of 1,613,172 alleles (0.000062%); highest among the groups gnomAD compares: South Asian, 0.0011%; no homozygotes.

Submission:

Labcorp Genetics (formerly Invitae), Labcorp
Classification: Pathogenic for Hereditary spastic paraplegia 11. Last evaluated: 2022-11-27. Review status: criteria provided, single submitter. Criteria: Invitae Variant Classification Sherloc (09022015). Collection method: clinical testing. Allele origin: germline.
Comment: For these reasons, this variant has been classified as Pathogenic. This variant has not been reported in the literature in individuals affected with SPG11-related conditions. This variant is present in population databases (no rsID available, gnomAD 0.0009%). This sequence change creates a premature translational stop signal (p.Gln637*) in the SPG11 gene. It is expected to result in an absent or disrupted protein product. Loss-of-function variants in SPG11 are known to be pathogenic (PMID: 19105190, 20110243, 22154821, 26556829).

Literature cited by the submitters: PubMed 19105190; PubMed 20110243; PubMed 22154821; PubMed 26556829.

NM_025137.4(SPG11):c.1909C>T (p.Gln637Ter)

Gene: SPG11 (SPG11 vesicle trafficking associated, spatacsin; minus strand). Cytogenetic location: 15q21.1.
Variant type: single nucleotide variant.
Coding change: c.1909C>T on transcript NM_025137.4 (MANE Select); coding-DNA position 1909, C replaced by T.
Protein change: p.Gln637Ter; replaces glutamine 637 with a stop codon.
Molecular consequence: nonsense.
Genome position (GRCh38, 1-based): chr15:44,628,827, G>A on the plus strand (C>T on the coding strand, the complement: SPG11 is on the minus strand). VCF-style: chr15-44628827-G-A. GRCh37 (hg19) VCF-style: chr15-44921025-G-A.
Other names: c.1909C>T, p.Gln637Ter (NM_001160227.2, NM_001411132.1); short protein forms Q637*.
Identifiers: ClinVar variation 2816932 (VCV002816932.3), dbSNP rs1310672924, ClinGen allele CA392234399.
Genomic context (GRCh38, chr15:44,628,827, plus strand): 5'-ACTTTATCATGAAGGTTCGAAGTTCATTAATGTAGCTAGTCAAAATGTTCACTCCTTTTT[G>A]CAGATGTTCATCTAGTTCTATGGAAAATACCAATGTGCCAATTTGTGTGTGTGTGTGTAA-3'